The following is an entry in ClinVar:

NM_006514.4(SCN10A):c.4801A>G (p.Met1601Val)

Gene: SCN10A (sodium voltage-gated channel alpha subunit 10; minus strand). Cytogenetic location: 3p22.2.
Variant type: single nucleotide variant.
Coding change: c.4801A>G on transcript NM_006514.4 (MANE Select); coding-DNA position 4801, A replaced by G.
Protein change: p.Met1601Val; replaces methionine 1601 with valine.
Molecular consequence: missense variant.
Genome position (GRCh38, 1-based): chr3:38,698,419, T>C on the plus strand (A>G on the coding strand, the complement: SCN10A is on the minus strand). VCF-style: chr3-38698419-T-C. GRCh37 (hg19) VCF-style: chr3-38739910-T-C.
Other names: c.4798A>G, p.Met1600Val (NM_001293306.2); c.4507A>G, p.Met1503Val (NM_001293307.2); short protein forms M1503V, M1600V, M1601V.
Identifiers: ClinVar variation 4281386 (VCV004281386.7).

ClinVar aggregate classification (germline): Uncertain significance (1 of 4 stars; one submission).

Submission:

CeGaT Center for Human Genetics Tuebingen
Classification: Uncertain significance. Last evaluated: 2025-09-01. Review status: criteria provided, single submitter. Criteria: CeGaT Center For Human Genetics Tuebingen Variant Classification Criteria Version 2. Collection method: clinical testing. Allele origin: germline. Affected: yes. Observed: 1 variant allele.
Comment: SCN10A: PM2, PP3